The following is an entry in ClinVar:

NC_000010.11:g.(?_52161869)_(52161983_?)del

Gene: PRKG1 (protein kinase cGMP-dependent 1; plus strand). Cytogenetic location: 10q21.1.
Variant type: Deletion.
Identifiers: ClinVar variation 477771 (VCV000477771.7).

ClinVar aggregate classification (germline): Uncertain significance (1 of 4 stars; one submission).

Conditions:
Aortic aneurysm, familial thoracic 8 (AAT8). Identifiers: MedGen C3809513, MONDO:0014187, OMIM 615436.

Submission:

Labcorp Genetics (formerly Invitae), Labcorp
Classification: Uncertain significance for Aortic aneurysm, familial thoracic 8. Last evaluated: 2017-05-27. Review status: criteria provided, single submitter. Criteria: Invitae Variant Classification Sherloc (09022015). Collection method: clinical testing. Allele origin: germline.
Comment: This variant has not been reported in the literature in individuals with PRKG1-related disease. In summary, this variant has uncertain impact on PRKG1 function. The available evidence is currently insufficient to determine its role in disease. Therefore, it has been classified as a Variant of Uncertain Significance. Experimental studies and prediction algorithms are not available for this variant, and the functional significance of the deleted amino acids is currently unknown. This variant is an in-frame deletion of the genomic region encompassing exon 9 of the PRKG1 gene. It preserves the integrity of the reading frame.